The following is an entry in ClinVar:

NM_000384.3(APOB):c.1978A>G (p.Ile660Val)

Gene: APOB (apolipoprotein B; minus strand). Cytogenetic location: 2p24.1.
Variant type: single nucleotide variant.
Coding change: c.1978A>G on transcript NM_000384.3 (MANE Select); coding-DNA position 1978, A replaced by G.
Protein change: p.Ile660Val; replaces isoleucine 660 with valine.
Molecular consequence: missense variant.
Genome position (GRCh38, 1-based): chr2:21,027,917, T>C on the plus strand (A>G on the coding strand, the complement: APOB is on the minus strand). VCF-style: chr2-21027917-T-C. GRCh37 (hg19) VCF-style: chr2-21250789-T-C.
Other names: short protein forms I660V.
Identifiers: ClinVar variation 3572071 (VCV003572071.2).

ClinVar aggregate classification (germline): Uncertain significance. Review status: criteria provided, multiple submitters, no conflicts (2 of 4 stars). 2 submissions from 2 submitters: Uncertain significance (2). Last evaluated 2026-09-07.

Conditions:
Cardiovascular phenotype. Identifiers: MedGen CN230736.

gnomAD v4.1: 1 of 1,614,038 alleles (0.000062%); no homozygotes.

Submissions (2):

Ambry Genetics
Classification: Uncertain significance for Cardiovascular phenotype. Last evaluated: 2026-09-07. Review status: criteria provided, single submitter. Criteria: Ambry Variant Classification Scheme 2023. Collection method: clinical testing. Allele origin: germline.
Comment: The p.I660V variant (also known as c.1978A>G), located in coding exon 14 of the APOB gene, results from an A to G substitution at nucleotide position 1978. The isoleucine at codon 660 is replaced by valine, an amino acid with highly similar properties. This amino acid position is conserved. In addition, this alteration is predicted to be tolerated by in silico analysis. Based on the available evidence, the clinical significance of this variant remains unclear.

Quest Diagnostics Nichols Institute San Juan Capistrano
Classification: Uncertain significance. Last evaluated: 2024-05-23. Review status: criteria provided, single submitter. Criteria: Quest Diagnostics criteria. Collection method: clinical testing. Allele origin: unknown.
Comment: The APOB c.1978A>G (p.Ile660Val) variant has not been reported in individuals with APOB-related conditions in the published literature. It also has not been reported in large, multi-ethnic general populations (Genome Aggregation Database). Analysis of this variant using bioinformatics tools for the prediction of the effect of amino acid changes on protein structure and function yielded predictions that this variant is benign. Based on the available information, we are unable to determine the clinical significance of this variant.